The following is an entry in ClinVar:

NM_000059.4(BRCA2):c.4496C>G (p.Thr1499Ser)

Gene: BRCA2 (BRCA2 DNA repair associated; plus strand). Cytogenetic location: 13q13.1.
Variant type: single nucleotide variant.
Coding change: c.4496C>G on transcript NM_000059.4 (MANE Select); coding-DNA position 4496, C replaced by G.
Protein change: p.Thr1499Ser; replaces threonine 1499 with serine.
Molecular consequence: missense variant.
Genome position (GRCh38, 1-based): chr13:32,338,851, C>G. VCF-style: chr13-32338851-C-G. GRCh37 (hg19) VCF-style: chr13-32912988-C-G.
Other names: c.4496C>G, p.Thr1499Ser (NM_001406719.1, NM_001406720.1); short protein forms T1499S.
Identifiers: ClinVar variation 2114559 (VCV002114559.8), dbSNP rs2137506990, ClinGen allele CA387781568.

ClinVar aggregate classification (germline): Conflicting classifications of pathogenicity. Review status: criteria provided, conflicting classifications (1 of 4 stars). 3 submissions from 3 submitters: Uncertain significance (2); Likely benign (1). Last evaluated 2023-03-23.

Conditions:
Hereditary cancer-predisposing syndrome. Also called: Neoplastic Syndromes, Hereditary; Tumor predisposition; Hereditary Cancer Syndrome; Hereditary neoplastic syndrome. Identifiers: Orphanet 140162, MedGen C0027672, MeSH D009386, MONDO:0015356.
Hereditary breast ovarian cancer syndrome. Also called: Hereditary breast and ovarian cancer syndrome; Hereditary breast and ovarian cancer; Hereditary breast and ovarian cancer syndrome (HBOC); Hereditary breast and/or ovarian cancer syndrome; Breast and ovarian cancer; BRCA1- and BRCA2-Associated Hereditary Breast and Ovarian Cancer. Identifiers: Orphanet 145, MedGen C0677776, MeSH D061325, MONDO:0003582. Disease mechanism: loss of function.

Submissions (3):

University of Washington Department of Laboratory Medicine, University of Washington
Classification: Likely benign for Hereditary cancer-predisposing syndrome. Last evaluated: 2023-03-23. Review status: criteria provided, single submitter. Criteria: Dines et al. (Genet Med. 2020). Collection method: curation. Allele origin: germline.
Comment: Missense variant in a coldspot region where missense variants are very unlikely to be pathogenic (PMID:31911673).

BRCA2 exon 11 coldspot. Reclassification based on statistical prior probability.

Ambry Genetics
Classification: Uncertain significance for Hereditary cancer-predisposing syndrome. Last evaluated: 2022-12-18. Review status: criteria provided, single submitter. Criteria: Ambry Variant Classification Scheme 2023. Collection method: clinical testing. Allele origin: germline.
Comment: The p.T1499S variant (also known as c.4496C>G), located in coding exon 10 of the BRCA2 gene, results from a C to G substitution at nucleotide position 4496. The threonine at codon 1499 is replaced by serine, an amino acid with similar properties. This amino acid position is conserved. In addition, this alteration is predicted to be tolerated by in silico analysis. Since supporting evidence is limited at this time, the clinical significance of this alteration remains unclear.

Labcorp Genetics (formerly Invitae), Labcorp
Classification: Uncertain significance for Hereditary breast ovarian cancer syndrome. Last evaluated: 2022-03-19. Review status: criteria provided, single submitter. Criteria: Invitae Variant Classification Sherloc (09022015). Collection method: clinical testing. Allele origin: germline.
Comment: This sequence change replaces threonine, which is neutral and polar, with serine, which is neutral and polar, at codon 1499 of the BRCA2 protein (p.Thr1499Ser). This variant is not present in population databases (gnomAD no frequency). In summary, the available evidence is currently insufficient to determine the role of this variant in disease. Therefore, it has been classified as a Variant of Uncertain Significance. Advanced modeling of protein sequence and biophysical properties (such as structural, functional, and spatial information, amino acid conservation, physicochemical variation, residue mobility, and thermodynamic stability) performed at Invitae indicates that this missense variant is not expected to disrupt BRCA2 protein function. This variant has not been reported in the literature in individuals affected with BRCA2-related conditions.